The following is an entry in ClinVar:

ClinVar aggregate classification (germline): Pathogenic/Likely pathogenic. Review status: criteria provided, multiple submitters, no conflicts (2 of 4 stars). 2 submissions from 2 submitters: Pathogenic (1); Likely pathogenic (1). Last evaluated 2021-02-06.

Conditions:
Pyruvate dehydrogenase E3-binding protein deficiency (PDHXD). Also called: Lacticacidemia due to PDX1 deficiency; LACTIC ACIDEMIA DUE TO DEFECT IN LIPOYL-CONTAINING COMPONENT X OF THE PYRUVATE DEHYDROGENASE COMPLEX; PYRUVATE HYDROGENASE E3-BINDING PROTEIN DEFICIENCY; E3-Binding Protein (Component X) Deficiency. Identifiers: Orphanet 255182, MedGen C1855553, MONDO:0009503, OMIM 245349.

Submissions (2):

Revvity Omics, Revvity
Classification: Likely pathogenic for Pyruvate dehydrogenase E3-binding protein deficiency. Last evaluated: 2021-02-06. Review status: criteria provided, single submitter. Criteria: ACMG Guidelines, 2015. Collection method: clinical testing. Allele origin: germline.

GeneDx
Classification: Pathogenic. Last evaluated: 2016-10-28. Review status: criteria provided, single submitter. Criteria: GeneDx Variant Classification (06012015). Collection method: clinical testing. Allele origin: germline. Affected: yes.
Comment: The c.793dupA variant in the PDHX gene causes a frameshift starting with codon Threonine 265, changes this amino acid to a Asparagine residue and creates a premature Stop codon at position 13 of the new reading frame, denoted p.Thr265AsnfsX13. This variant is predicted to cause loss of normal protein function either through protein truncation or nonsense-mediated mRNA decay. Although this variant has not been previously reported to our knowledge, it is expected to be a pathogenic variant.

NM_003477.3(PDHX):c.793dup (p.Thr265fs)

Gene: PDHX (pyruvate dehydrogenase complex component X; plus strand). Cytogenetic location: 11p13.
Variant type: Duplication.
Coding change: c.793dup on transcript NM_003477.3 (MANE Select); coding-DNA position 793, one base duplicated (A; older notation c.793dupA).
Protein change: p.Thr265fs; shifts the reading frame from threonine 265.
Molecular consequence: frameshift variant. On other transcripts: intron variant (1).
Genome position (GRCh38, 1-based): chr11:34,966,791, A duplicated; the last of 2 consecutive A bases (chr11:34,966,790-34,966,791); duplicating either gives the same sequence. VCF-style (leftmost placement, unchanged base first): chr11-34966789-C-CA. GRCh37 (hg19) VCF-style: chr11-34988336-C-CA.
Other names: c.793dupA (NM_003477.2); c.613dup, p.Thr205fs (NM_001135024.2); c.343-17779dup (NM_001166158.2); short protein forms T265fs, T205fs.
Identifiers: ClinVar variation 373059 (VCV000373059.6), dbSNP rs1057518180, ClinGen allele CA16042850.
Genomic context (GRCh38, chr11:34,966,789, plus strand): 5'-CTTCGCCCCTACAGGCCACAGCTGGACCATCTTATCCCCGGCCTGTGATCCCACCAGTAT[C>CA]AACTCCTGGACAACCCAATGCAGTGGTAGTGTTCTCTAAGTGGATTTTTATTTCTTTTTC-3'